The following is an entry in ClinVar:

NM_001276345.2(TNNT2):c.411+7G>C

Gene: TNNT2 (troponin T2, cardiac type; minus strand). Cytogenetic location: 1q32.1.
Variant type: single nucleotide variant.
Coding change: c.411+7G>C on transcript NM_001276345.2 (MANE Select); 7 bases into the intron after coding-DNA position 411, G replaced by C.
Molecular consequence: intron variant.
Genome position (GRCh38, 1-based): chr1:201,365,184, C>G on the plus strand (G>C on the coding strand, the complement: TNNT2 is on the minus strand). VCF-style: chr1-201365184-C-G. GRCh37 (hg19) VCF-style: chr1-201334312-C-G.
Other names: c.381+7G>C (NM_001406727.1, NM_001406724.1, NM_001001431.3 and 3 more transcripts); c.366+7G>C (NM_001001432.3, NM_001406728.1); c.378+7G>C (NM_001406725.1); c.291+426G>C (NM_001276346.2); c.411+7G>C (NM_000364.4, NM_001406723.1, NM_000364.3).
Identifiers: ClinVar variation 2500773 (VCV002500773.2), dbSNP rs2527013526, ClinGen allele CA1139532855.

ClinVar aggregate classification (germline): Uncertain significance (1 of 4 stars; one submission).

Conditions:
Hypertrophic cardiomyopathy 2. Also called: TNNT2-Related Familial Hypertrophic Cardiomyopathy. Identifiers: MedGen C1861864, MONDO:0007266, OMIM 115195.

Submission:

Victorian Clinical Genetics Services, Murdoch Childrens Research Institute
Classification: Uncertain significance for Hypertrophic cardiomyopathy 2. Last evaluated: 2020-10-19. Review status: criteria provided, single submitter. Criteria: ACMG Guidelines, 2015. Collection method: clinical testing. Allele origin: germline. Inheritance: Autosomal dominant inheritance. Affected: yes.
Comment: Based on the classification scheme VCGS_Germline_v1.3.3, this variant is classified as 3B-VUS. Following criteria are met: 0103 - Dominant negative and gain of function are reported mechanisms of disease in this gene and is associated with hypertrophic cardiomyopathy 2 (MIM#115195) (PMID: 18612386). (I) 0107 - This gene is associated with autosomal dominant disease. (I) 0212 - Non-canonical splice site variant without proven consequence on splicing (no functional evidence available). (SP) 0251 - This variant is heterozygous. (I) 0301 - Variant is absent from gnomAD (both v2 and v3). (SP) 0506 - Abnormal splicing is not predicted and nucleotide is poorly conserved. (SB) 0705 - No comparable non-canonical splice variants have previous evidence for pathogenicity. (I) 0807 - This variant has no previous evidence of pathogenicity. (I) 0905 - No published segregation evidence has been identified for this variant. (I) 1007 - No published functional evidence has been identified for this variant. (I) 1102 - Strong phenotype match for this individual. (SP) Legend: (SP) - Supporting pathogenic, (I) - Information, (SB) - Supporting benign

Literature cited by the submitters: PubMed 18612386.